The following is an entry in ClinVar:

NM_014444.5(TUBGCP4):c.1588T>C (p.Tyr530His)

Gene: TUBGCP4 (tubulin gamma complex component 4; plus strand). Cytogenetic location: 15q15.3.
Variant type: single nucleotide variant.
Coding change: c.1588T>C on transcript NM_014444.5 (MANE Select); coding-DNA position 1588, T replaced by C.
Protein change: p.Tyr530His; replaces tyrosine 530 with histidine.
Molecular consequence: missense variant.
Genome position (GRCh38, 1-based): chr15:43,400,213, T>C. VCF-style: chr15-43400213-T-C. GRCh37 (hg19) VCF-style: chr15-43692411-T-C.
Other names: c.1591T>C, p.Tyr531His (NM_001286414.3); short protein forms Y530H, Y531H.
Identifiers: ClinVar variation 1514830 (VCV001514830.6), dbSNP rs1263757713, ClinGen allele CA392136813.

ClinVar aggregate classification (germline): Uncertain significance (1 of 4 stars; one submission).

Allele frequency attached by ClinVar (database versions not stated): gnomAD 0.00001.
gnomAD v4.1: 1 of 1,613,920 alleles (0.000062%); highest among the groups gnomAD compares: Non-Finnish European, 0.000085%; no homozygotes.

Submission:

Labcorp Genetics (formerly Invitae), Labcorp
Classification: Uncertain significance. Last evaluated: 2022-06-05. Review status: criteria provided, single submitter. Criteria: Invitae Variant Classification Sherloc (09022015). Collection method: clinical testing. Allele origin: germline.
Comment: This sequence change replaces tyrosine, which is neutral and polar, with histidine, which is basic and polar, at codon 531 of the TUBGCP4 protein (p.Tyr531His). This variant is present in population databases (no rsID available, gnomAD 0.007%). This variant has not been reported in the literature in individuals affected with TUBGCP4-related conditions. ClinVar contains an entry for this variant (Variation ID: 1514830). Algorithms developed to predict the effect of missense changes on protein structure and function are either unavailable or do not agree on the potential impact of this missense change (SIFT: "Deleterious"; PolyPhen-2: "Possibly Damaging"; Align-GVGD: "Class C0"). In summary, the available evidence is currently insufficient to determine the role of this variant in disease. Therefore, it has been classified as a Variant of Uncertain Significance.